The following is an entry in ClinVar:

ClinVar aggregate classification (germline): Likely benign (0 of 4 stars; one submission).

Conditions:
GUCY2D-related disorder. Also called: GUCY2D-related condition.

Submission:

PreventionGenetics, part of Exact Sciences
Classification: Likely benign for GUCY2D-related condition. Last evaluated: 2021-03-22. Review status: no assertion criteria provided. Collection method: clinical testing. Allele origin: germline.
Comment: This variant is classified as likely benign based on ACMG/AMP sequence variant interpretation guidelines (Richards et al. 2015 PMID: 25741868, with internal and published modifications).

NM_000180.4(GUCY2D):c.2442G>T (p.Thr814=)

Gene: GUCY2D (guanylate cyclase 2D, retinal; plus strand). Cytogenetic location: 17p13.1.
Variant type: single nucleotide variant.
Coding change: c.2442G>T on transcript NM_000180.4 (MANE Select); coding-DNA position 2442, G replaced by T.
Protein change: p.Thr814=; no amino-acid change (threonine 814 retained).
Molecular consequence: synonymous variant.
Genome position (GRCh38, 1-based): chr17:8,014,630, G>T. VCF-style: chr17-8014630-G-T. GRCh37 (hg19) VCF-style: chr17-7917948-G-T.
Identifiers: ClinVar variation 3031420 (VCV003031420.2), dbSNP rs1426236694, ClinGen allele CA497752889.